The following is an entry in ClinVar:

ClinVar aggregate classification (germline): Pathogenic/Likely pathogenic. Review status: criteria provided, multiple submitters, no conflicts (2 of 4 stars). 2 submissions from 2 submitters: Pathogenic (1); Likely pathogenic (1). Last evaluated 2026-03-31.

Conditions:
Neurodevelopmental disorder with coarse facies and mild distal skeletal abnormalities. Also called: STOLERMAN NEURODEVELOPMENTAL SYNDROME. Identifiers: MedGen C5193134, MONDO:0032790, OMIM 618505.

Submissions (2):

GeneDx
Classification: Pathogenic. Last evaluated: 2026-03-31. Review status: criteria provided, single submitter. Criteria: GeneDx Variant Classification Process June 2021. Collection method: clinical testing. Allele origin: germline.
Comment: Frameshift variant predicted to result in protein truncation or nonsense mediated decay in a gene for which loss of function is a known mechanism of disease; Not observed at significant frequency in large population cohorts (gnomAD); Has not been previously published as pathogenic or benign to our knowledge

Juno Genomics, Hangzhou Juno Genomics, Inc
Classification: Likely pathogenic for Neurodevelopmental disorder with coarse facies and mild distal skeletal abnormalities. Review status: criteria provided, single submitter. Criteria: ACMG Guidelines, 2015. Collection method: clinical testing. Allele origin: germline. Affected: yes.
Comment: Absent from controls (or at extremely low frequency if recessive) in Genome Aggregation Database.;Null variant in a gene where loss of function (LOF) is a known mechanism of disease.

NM_001348716.2(KDM6B):c.2927_2930del (p.Gln976fs)

Gene: KDM6B (lysine demethylase 6B; plus strand). Cytogenetic location: 17p13.1.
Variant type: Deletion.
Coding change: c.2927_2930del on transcript NM_001348716.2 (MANE Select); coding-DNA positions 2927 to 2930, 4 bases deleted (AGAA; older notation c.2927_2930delAGAA).
Protein change: p.Gln976fs; shifts the reading frame from glutamine 976.
Molecular consequence: frameshift variant.
Genome position (GRCh38, 1-based): chr17:7,849,215-7,849,218, AGAA deleted. VCF-style (leftmost placement, unchanged base first): chr17-7849214-CAGAA-C. GRCh37 (hg19) VCF-style: chr17-7752532-CAGAA-C.
Other names: c.2927_2930del, p.Gln976fs (NM_001080424.2); short protein forms Q976fs.
Identifiers: ClinVar variation 5016814 (VCV005016814.1).